The following is an entry in ClinVar:

ClinVar aggregate classification (germline): Pathogenic/Likely pathogenic. Review status: criteria provided, multiple submitters, no conflicts (2 of 4 stars). 2 submissions from 2 submitters: Pathogenic (1); Likely pathogenic (1). Last evaluated 2023-11-21.

Conditions:
Childhood onset hearing loss.

Allele frequency attached by ClinVar (database versions not stated): gnomAD exomes below 0.00001; gnomAD 0.00001; TOPMed 0.00002.
gnomAD v4.1: 4 of 1,613,896 alleles (0.00025%); highest among the groups gnomAD compares: African/African-American, 0.004%; no homozygotes.

Submissions (2):

Labcorp Genetics (formerly Invitae), Labcorp
Classification: Pathogenic. Last evaluated: 2023-11-21. Review status: criteria provided, single submitter. Criteria: Invitae Variant Classification Sherloc (09022015). Collection method: clinical testing. Allele origin: germline.
Comment: This sequence change creates a premature translational stop signal (p.Gln2336*) in the MYO15A gene. It is expected to result in an absent or disrupted protein product. Loss-of-function variants in MYO15A are known to be pathogenic (PMID: 17546645). This variant is not present in population databases (gnomAD no frequency). This premature translational stop signal has been observed in individual(s) with autosomal recessive deafness (PMID: 34837038). ClinVar contains an entry for this variant (Variation ID: 1027553). For these reasons, this variant has been classified as Pathogenic.

National Institute on Deafness and Communication Disorders, National Institutes of Health
Classification: Likely pathogenic for Childhood onset hearing loss. Last evaluated: 2021-07-08. Review status: criteria provided, single submitter. Criteria: ClinGen HL ACMG Specifications v1. Collection method: research. Allele origin: germline. Inheritance: Autosomal recessive inheritance. Affected: yes. Observed: 1 heterozygote. Segregation with disease not observed.
Comment: PVS1, PM2 / Modifications from PMID: 30311386 for classification: The genetic causes of hearing loss have not yet been well characterized in the Yoruba population, and the information regarding variant MAF in this population is still limited, so we did not exclude any variant based on their "high" MAF. PP3 criteria was applied even if the REVEL score was below 0.7, if at least two of the pathogenicity prediction algorithms used predicted that the variant was damaging or likely damaging.

was found in associated with NM_016239.4:c.3196G>C

Literature cited by the submitters: PubMed 17546645 (cited by Labcorp Genetics (formerly Invitae), Labcorp); PubMed 34837038 (cited by Labcorp Genetics (formerly Invitae), Labcorp).

NM_016239.4(MYO15A):c.7006C>T (p.Gln2336Ter)

Gene: MYO15A (myosin XVA; plus strand). Cytogenetic location: 17p11.2.
Variant type: single nucleotide variant.
Coding change: c.7006C>T on transcript NM_016239.4 (MANE Select); coding-DNA position 7006, C replaced by T.
Protein change: p.Gln2336Ter; replaces glutamine 2336 with a stop codon.
Molecular consequence: nonsense.
Genome position (GRCh38, 1-based): chr17:18,149,265, C>T. VCF-style: chr17-18149265-C-T. GRCh37 (hg19) VCF-style: chr17-18052579-C-T.
Other names: short protein forms Q2336*.
Identifiers: ClinVar variation 1027553 (VCV001027553.6), dbSNP rs1169954783, ClinGen allele CA398614003.